The following is an entry in ClinVar:

ClinVar aggregate classification (germline): Benign/Likely benign. Review status: criteria provided, multiple submitters, no conflicts (2 of 4 stars). 3 submissions from 3 submitters: Benign (1); Likely benign (2). Last evaluated 2025-01-07.

Conditions:
Lynch syndrome 5 (LYNCH5). Also called: Colorectal cancer, hereditary nonpolyposis, type 5; Hereditary non-polyposis colorectal cancer, type 5. Identifiers: Orphanet 144, MedGen C1833477, MONDO:0013710, OMIM 614350. Disease mechanism: loss of function.

Submissions (3):

Myriad Genetics, Inc.
Classification: Benign for Lynch syndrome 5. Last evaluated: 2025-01-07. Review status: criteria provided, single submitter. Criteria: Myriad Autosomal Dominant, Autosomal Recessive and X-Linked Classification Criteria (2023). Collection method: clinical testing. Allele origin: unknown.
Comment: This variant is considered benign. This variant is a silent/synonymous amino acid change and it is not expected to impact splicing.

Quest Diagnostics Nichols Institute San Juan Capistrano
Classification: Likely benign. Last evaluated: 2023-08-11. Review status: criteria provided, single submitter. Criteria: Quest Diagnostics criteria. Collection method: clinical testing. Allele origin: unknown.

Women's Health and Genetics/Laboratory Corporation of America, LabCorp
Classification: Likely benign. Last evaluated: 2023-06-20. Review status: criteria provided, single submitter. Criteria: LabCorp Variant Classification Summary - May 2015. Collection method: clinical testing. Allele origin: germline.
Comment: Variant summary: MSH6 c.3594C>A alters a conserved nucleotide resulting in a synonymous change. 4/4 computational tools predict no significant impact on normal splicing. However, these predictions have yet to be confirmed by functional studies. The variant was absent in 251440 control chromosomes. The available data on variant occurrences in the general population are insufficient to allow any conclusion about variant significance. To our knowledge, no occurrence of c.3594C>A in individuals affected with Hereditary Nonpolyposis Colorectal Cancer and no experimental evidence demonstrating its impact on protein function have been reported. No submitters have cited clinical-significance assessments for this variant to ClinVar after 2014. Based on the evidence outlined above, the variant was classified as likely benign.

NM_000179.3(MSH6):c.3594C>A (p.Ala1198=)

Gene: MSH6 (mutS homolog 6; plus strand). Cytogenetic location: 2p16.3.
Variant type: single nucleotide variant.
Coding change: c.3594C>A on transcript NM_000179.3 (MANE Select); coding-DNA position 3594, C replaced by A.
Protein change: p.Ala1198=; no amino-acid change (alanine 1198 retained).
Molecular consequence: synonymous variant. On other transcripts: non-coding transcript variant (5).
Genome position (GRCh38, 1-based): chr2:47,805,655, C>A. VCF-style: chr2-47805655-C-A. GRCh37 (hg19) VCF-style: chr2-48032794-C-A.
Other names: c.3204C>A, p.Ala1068= (NM_001281492.2); c.2688C>A, p.Ala896= (NM_001281493.2, NM_001281494.2, NM_001406811.1 and 6 more transcripts); c.3690C>A, p.Ala1230= (NM_001406795.1, NM_001406802.1); c.3594C>A, p.Ala1198= (NM_001406796.1, NM_001406800.1, NM_001406808.1 and 1 more transcripts); c.3297C>A, p.Ala1099= (NM_001406797.1, NM_001406801.1, NM_001406805.1 and 10 more transcripts); c.3420C>A, p.Ala1140= (NM_001406798.1); c.3069C>A, p.Ala1023= (NM_001406799.1, NM_001406806.1, NM_001406807.1); c.2730C>A, p.Ala910= (NM_001406803.1); and 7 more.
Identifiers: ClinVar variation 2573380 (VCV002573380.3), dbSNP rs1572741843, ClinGen allele CA425997276.